The following is an entry in ClinVar:

NM_000286.3(PEX12):c.1042G>A (p.Val348Ile)

Gene: PEX12 (peroxisomal biogenesis factor 12; minus strand). Cytogenetic location: 17q12.
Variant type: single nucleotide variant.
Coding change: c.1042G>A on transcript NM_000286.3 (MANE Select); coding-DNA position 1042, G replaced by A.
Protein change: p.Val348Ile; replaces valine 348 with isoleucine.
Molecular consequence: missense variant.
Genome position (GRCh38, 1-based): chr17:35,575,820, C>T on the plus strand (G>A on the coding strand, the complement: PEX12 is on the minus strand). VCF-style: chr17-35575820-C-T. GRCh37 (hg19) VCF-style: chr17-33902839-C-T.
Other names: short protein forms V348I.
Identifiers: ClinVar variation 1306186 (VCV001306186.7), dbSNP rs2072781156, ClinGen allele CA399136834.

ClinVar aggregate classification (germline): Uncertain significance. Review status: criteria provided, multiple submitters, no conflicts (2 of 4 stars). 2 submissions from 2 submitters: Uncertain significance (2). Last evaluated 2021-10-29.

Conditions:
Peroxisome biogenesis disorder 3A (Zellweger). Also called: PEROXISOMAL BIOGENESIS DISORDER 3A (ZELLWEGER); Peroxisome biogenesis disorder 3A. Identifiers: Orphanet 912, MedGen C3553929, MONDO:0013927, OMIM 614859.

Allele frequency attached by ClinVar (database versions not stated): gnomAD 0.00001; TOPMed 0.00001.

Submissions (2):

Labcorp Genetics (formerly Invitae), Labcorp
Classification: Uncertain significance for Peroxisome biogenesis disorder 3A (Zellweger). Last evaluated: 2021-10-29. Review status: criteria provided, single submitter. Criteria: Invitae Variant Classification Sherloc (09022015). Collection method: clinical testing. Allele origin: germline.
Comment: In summary, the available evidence is currently insufficient to determine the role of this variant in disease. Therefore, it has been classified as a Variant of Uncertain Significance. Algorithms developed to predict the effect of missense changes on protein structure and function (SIFT, PolyPhen-2, Align-GVGD) all suggest that this variant is likely to be tolerated. This variant has not been reported in the literature in individuals affected with PEX12-related conditions. This variant is not present in population databases (gnomAD no frequency). This sequence change replaces valine, which is neutral and non-polar, with isoleucine, which is neutral and non-polar, at codon 348 of the PEX12 protein (p.Val348Ile).

GeneDx
Classification: Uncertain significance. Last evaluated: 2019-06-06. Review status: criteria provided, single submitter. Criteria: GeneDx Variant Classification Process June 2021. Collection method: clinical testing. Allele origin: germline. Affected: yes.
Comment: Has not been previously published as pathogenic or benign to our knowledge; Not observed in large population cohorts (Lek et al., 2016); In silico analysis, which includes protein predictors and evolutionary conservation, supports that this variant does not alter protein structure/function